The following is an entry in ClinVar:

ClinVar aggregate classification (germline): Uncertain significance (1 of 4 stars; one submission).

Conditions:
Granulomatous disease, chronic, autosomal recessive, cytochrome b-positive, type 3. Also called: Granulomatous disease, chronic, autosomal recessive, cytochrome b-positive, type III; GRANULOMATOUS DISEASE, CHRONIC, AUTOSOMAL RECESSIVE, 3; GRANULOMATOUS DISEASE, CHRONIC, DUE TO NCF4 DEFICIENCY; CGD, AUTOSOMAL RECESSIVE CYTOCHROME b-POSITIVE, TYPE III. Identifiers: Orphanet 379, MedGen C3151409, MONDO:0013507, OMIM 613960.

Submission:

Labcorp Genetics (formerly Invitae), Labcorp
Classification: Uncertain significance for Granulomatous disease, chronic, autosomal recessive, cytochrome b-positive, type 3. Last evaluated: 2018-07-09. Review status: criteria provided, single submitter. Criteria: Invitae Variant Classification Sherloc (09022015). Collection method: clinical testing. Allele origin: germline.
Comment: In summary, the available evidence is currently insufficient to determine the role of this variant in disease. Therefore, it has been classified as a Variant of Uncertain Significance. Algorithms developed to predict the effect of missense changes on protein structure and function are either unavailable or do not agree on the potential impact of this missense change (SIFT: "Deleterious"; PolyPhen-2: "Benign"; Align-GVGD: "Class C0"). This variant has not been reported in the literature in individuals with NCF4-related disease. This variant is not present in population databases (ExAC no frequency). This sequence change replaces aspartic acid with glutamic acid at codon 168 of the NCF4 protein (p.Asp168Glu). The aspartic acid residue is highly conserved and there is a small physicochemical difference between aspartic acid and glutamic acid.

NM_000631.5(NCF4):c.504C>A (p.Asp168Glu)

Gene: NCF4 (neutrophil cytosolic factor 4; plus strand). Cytogenetic location: 22q12.3.
Variant type: single nucleotide variant.
Coding change: c.504C>A on transcript NM_000631.5 (MANE Select); coding-DNA position 504, C replaced by A.
Protein change: p.Asp168Glu; replaces aspartic acid 168 with glutamic acid.
Molecular consequence: missense variant.
Genome position (GRCh38, 1-based): chr22:36,871,685, C>A. VCF-style: chr22-36871685-C-A. GRCh37 (hg19) VCF-style: chr22-37267727-C-A.
Other names: c.504C>A, p.Asp168Glu (NM_013416.4); short protein forms D168E.
Identifiers: ClinVar variation 660982 (VCV000660982.9), dbSNP rs1387007679, ClinGen allele CA411385075.